The following is an entry in ClinVar:

NM_000238.4(KCNH2):c.1930G>C (p.Val644Leu)

Gene: KCNH2 (potassium voltage-gated channel subfamily H member 2; minus strand). Cytogenetic location: 7q36.1.
Variant type: single nucleotide variant.
Coding change: c.1930G>C on transcript NM_000238.4 (MANE Select); coding-DNA position 1930, G replaced by C.
Protein change: p.Val644Leu; replaces valine 644 with leucine.
Molecular consequence: missense variant.
Genome position (GRCh38, 1-based): chr7:150,951,463, C>G on the plus strand (G>C on the coding strand, the complement: KCNH2 is on the minus strand). VCF-style: chr7-150951463-C-G. GRCh37 (hg19) VCF-style: chr7-150648551-C-G.
Other names: c.1930G>C (LRG_288t1); c.910G>C, p.Val304Leu (NM_001204798.2, NM_172057.3); c.1642G>C, p.Val548Leu (NM_001406753.1, NM_001406756.1); c.1753G>C, p.Val585Leu (NM_001406755.1); c.1630G>C, p.Val544Leu (NM_001406757.1); c.1930G>C, p.Val644Leu (NM_172056.3); short protein forms V304L, V644L, V544L, V548L, V585L.
Identifiers: ClinVar variation 67339 (VCV000067339.3), dbSNP rs199472972, ClinGen allele CA006041.
Genomic context (GRCh38, chr7:150,951,463, plus strand): 5'-CTCCACCGTGGGCTCTCCCCGCCGCCCGCCCCTGGGCACACTCACAGCCAATGAGCATGA[C>G]GCAGATGGAGAAGATCTTCTCTGAGTTGGTGTTGGGAGAGACGTTGCCGAAGCCCACACT-3'
Protein context (NP_000229.1, residues 634-654): TNSEKIFSIC[Val644Leu]MLIGSLMYAS

ClinVar aggregate classification (germline): not provided (0 of 4 stars; one submission).

Conditions:
Familial long QT syndrome (RWS). Also called: Congenital long QT syndrome; Romano-Ward syndrome; VENTRICULAR FIBRILLATION WITH PROLONGED QT INTERVAL. Identifiers: Orphanet 768, MedGen C1141890, MONDO:0019171.

Submission:

Cardiovascular Biomedical Research Unit, Royal Brompton & Harefield NHS Foundation Trust
No classification provided. Condition: Familial long QT syndrome. Review status: no classification provided. Collection method: literature only. Allele origin: germline.
Comment: This variant has been reported as associated with Long QT syndrome in the following publications (PMID:19716085). This is a literature report, and does not necessarily reflect the clinical interpretation of the Imperial College / Royal Brompton Cardiovascular Genetics laboratory.

Literature cited by the submitters: PubMed 19716085; PubMed 22581653.